The following is an entry in ClinVar:

ClinVar aggregate classification (germline): Uncertain significance (1 of 4 stars; one submission).

Conditions:
Hereditary cancer-predisposing syndrome. Also called: Neoplastic Syndromes, Hereditary; Tumor predisposition; Hereditary Cancer Syndrome; Hereditary neoplastic syndrome. Identifiers: Orphanet 140162, MedGen C0027672, MeSH D009386, MONDO:0015356.

Submission:

Ambry Genetics
Classification: Uncertain significance for Hereditary cancer-predisposing syndrome. Last evaluated: 2026-06-10. Review status: criteria provided, single submitter. Criteria: Ambry Variant Classification Scheme 2023. Collection method: clinical testing. Allele origin: germline.
Comment: The p.L36H variant (also known as c.107T>A), located in coding exon 2 of the SMARCB1 gene, results from a T to A substitution at nucleotide position 107. The leucine at codon 36 is replaced by histidine, an amino acid with similar properties. This amino acid position is conserved. In addition, this alteration is predicted to be deleterious by in silico analysis. Based on the available evidence, the clinical significance of this variant remains unclear.

NM_003073.5(SMARCB1):c.107T>A (p.Leu36His)

Gene: SMARCB1 (SWI/SNF related BAF chromatin remodeling complex subunit B1; plus strand). Cytogenetic location: 22q11.23.
Variant type: single nucleotide variant.
Coding change: c.107T>A on transcript NM_003073.5 (MANE Select); coding-DNA position 107, T replaced by A.
Protein change: p.Leu36His; replaces leucine 36 with histidine.
Molecular consequence: missense variant.
Genome position (GRCh38, 1-based): chr22:23,791,769, T>A. VCF-style: chr22-23791769-T-A. GRCh37 (hg19) VCF-style: chr22-24133956-T-A.
Other names: c.107T>A, p.Leu36His (NM_001007468.3, NM_001317946.2, NM_001362877.2); short protein forms L36H.
Identifiers: ClinVar variation 4864833 (VCV004864833.1).